The following is an entry in ClinVar:

ClinVar aggregate classification (germline): Uncertain significance. Review status: criteria provided, multiple submitters, no conflicts (2 of 4 stars). 2 submissions from 2 submitters: Uncertain significance (2). Last evaluated 2025-06-15.

Conditions:
Hereditary cancer-predisposing syndrome. Also called: Hereditary neoplastic syndrome; Neoplastic Syndromes, Hereditary; Tumor predisposition; Hereditary Cancer Syndrome. Identifiers: Orphanet 140162, MedGen C0027672, MeSH D009386, MONDO:0015356.
Multiple endocrine neoplasia, type 2 (MEN2). Identifiers: Orphanet 653, MedGen C4048306, MONDO:0019003. Disease mechanism: gain of function.

gnomAD v4.1: 1 of 1,613,856 alleles (0.000062%); no homozygotes.

Submissions (2):

Ambry Genetics
Classification: Uncertain significance for Hereditary cancer-predisposing syndrome. Last evaluated: 2025-06-15. Review status: criteria provided, single submitter. Criteria: Ambry Variant Classification Scheme 2023. Collection method: clinical testing. Allele origin: germline.
Comment: The p.T1055P variant (also known as c.3163A>C), located in coding exon 19 of the RET gene, results from an A to C substitution at nucleotide position 3163. The threonine at codon 1055 is replaced by proline, an amino acid with highly similar properties. This amino acid position is conserved. In addition, this alteration is predicted to be deleterious by in silico analysis. Since supporting evidence is limited at this time, the clinical significance of this alteration remains unclear.

Labcorp Genetics (formerly Invitae), Labcorp
Classification: Uncertain significance for Multiple endocrine neoplasia, type 2. Last evaluated: 2025-02-12. Review status: criteria provided, single submitter. Criteria: Invitae Variant Classification Sherloc (09022015). Collection method: clinical testing. Allele origin: germline.
Comment: This sequence change replaces threonine, which is neutral and polar, with proline, which is neutral and non-polar, at codon 1055 of the RET protein (p.Thr1055Pro). This variant is not present in population databases (gnomAD no frequency). This variant has not been reported in the literature in individuals affected with RET-related conditions. ClinVar contains an entry for this variant (Variation ID: 1035737). An algorithm developed to predict the effect of missense changes on protein structure and function (PolyPhen-2) suggests that this variant is likely to be disruptive. In summary, the available evidence is currently insufficient to determine the role of this variant in disease. Therefore, it has been classified as a Variant of Uncertain Significance.

NM_020975.6(RET):c.3163A>C (p.Thr1055Pro)

Gene: RET (ret proto-oncogene; plus strand). Cytogenetic location: 10q11.21.
Variant type: single nucleotide variant.
Coding change: c.3163A>C on transcript NM_020975.6 (MANE Select); coding-DNA position 3163, A replaced by C.
Protein change: p.Thr1055Pro; replaces threonine 1055 with proline.
Molecular consequence: missense variant.
Genome position (GRCh38, 1-based): chr10:43,126,698, A>C. VCF-style: chr10-43126698-A-C. GRCh37 (hg19) VCF-style: chr10-43622146-A-C.
Other names: c.3163A>C, p.Thr1055Pro (NM_000323.2, NM_001406743.1, NM_001406744.1 and 2 more transcripts); c.2401A>C, p.Thr801Pro (NM_001355216.2); c.3034A>C, p.Thr1012Pro (NM_001406761.1, NM_001406762.1, NM_001406764.1); c.3028A>C, p.Thr1010Pro (NM_001406763.1, NM_001406765.1); c.2875A>C, p.Thr959Pro (NM_001406766.1, NM_001406767.1, NM_001406770.1); c.2899A>C, p.Thr967Pro (NM_001406768.1); c.2767A>C, p.Thr923Pro (NM_001406769.1, NM_001406772.1); c.2725A>C, p.Thr909Pro (NM_001406771.1, NM_001406773.1); and 10 more; short protein forms T801P, T1055P, T620P, T711P, T967P, T1010P, T1012P, T713P.
Identifiers: ClinVar variation 1035737 (VCV001035737.13), dbSNP rs1439440590, ClinGen allele CA376558514.